The following is an entry in ClinVar:

NM_001142301.1(TMEM67):c.2522-6del

Gene: TMEM67 (transmembrane protein 67; plus strand). Cytogenetic location: 8q22.1.
Variant type: Deletion.
Coding change: c.2522-6del on transcript NM_001142301.1; 6 bases into the intron before coding-DNA position 2522, one base deleted (T; older notation c.2522-6delT).
Molecular consequence: intron variant.
Genome position (GRCh38, 1-based): chr8:93,815,299, T deleted; the last of 7 consecutive T bases (chr8:93,815,293-93,815,299); deleting any one gives the same sequence. VCF-style (leftmost placement, unchanged base first): chr8-93815292-AT-A. GRCh37 (hg19) VCF-style: chr8-94827520-AT-A.
Other names: c.2765-6del (NM_153704.6).
Identifiers: ClinVar variation 235726 (VCV000235726.17), dbSNP rs747342409, ClinGen allele CA4808395.

ClinVar aggregate classification (germline): Conflicting classifications of pathogenicity. Review status: criteria provided, conflicting classifications (1 of 4 stars). 4 submissions from 4 submitters: Uncertain significance (1); Likely benign (3). Last evaluated 2026-01-03.

Conditions:
Meckel-Gruber syndrome. Also called: Dysencephalia splachnocystica; DYSENCEPHALIA SPLANCHNOCYSTICA; GRUBER SYNDROME. Identifiers: Orphanet 564, MedGen C0265215, MONDO:0018921.
Joubert syndrome. Also called: JOUBERT-BOLTSHAUSER SYNDROME; Familial aplasia of the vermis. Identifiers: Orphanet 475, MedGen C5979921, MONDO:0018772.

Submissions (4):

Labcorp Genetics (formerly Invitae), Labcorp
Classification: Likely benign for Joubert syndrome; Meckel-Gruber syndrome. Last evaluated: 2026-01-03. Review status: criteria provided, single submitter. Criteria: Invitae Variant Classification Sherloc (09022015). Collection method: clinical testing. Allele origin: germline.

Blueprint Genetics
Classification: Likely benign. Last evaluated: 2024-06-14. Review status: criteria provided, single submitter. Criteria: ACMG Guidelines, 2015. Collection method: clinical testing. Allele origin: germline.

Eurofins Ntd Llc (ga)
Classification: Likely benign. Last evaluated: 2017-10-23. Review status: criteria provided, single submitter. Criteria: EGL Classification Definitions 2015. Collection method: clinical testing. Allele origin: germline. Observed: 1 variant allele, 1 heterozygote.

Center for Pediatric Genomic Medicine, Children's Mercy Hospital and Clinics
Classification: Uncertain significance. Last evaluated: 2016-01-11. Review status: criteria provided, single submitter. Criteria: ACMG Guidelines, 2015. Collection method: clinical testing. Allele origin: germline.
ClinVar note: Converted during submission from Uncertain Significance to Uncertain significance.